The following is an entry in ClinVar:

NM_000051.4(ATM):c.5611A>G (p.Thr1871Ala)

Gene: ATM (ATM serine/threonine kinase; plus strand). Cytogenetic location: 11q22.3.
Variant type: single nucleotide variant.
Coding change: c.5611A>G on transcript NM_000051.4 (MANE Select); coding-DNA position 5611, A replaced by G.
Protein change: p.Thr1871Ala; replaces threonine 1871 with alanine.
Molecular consequence: missense variant.
Genome position (GRCh38, 1-based): chr11:108,304,789, A>G. VCF-style: chr11-108304789-A-G. GRCh37 (hg19) VCF-style: chr11-108175516-A-G.
Other names: c.5611A>G, p.Thr1871Ala (NM_001351834.2); short protein forms T1871A.
Identifiers: ClinVar variation 2800732 (VCV002800732.3), dbSNP rs990967899, ClinGen allele CA382546289.

ClinVar aggregate classification (germline): Uncertain significance (1 of 4 stars; one submission).

Conditions:
Ataxia-telangiectasia syndrome (AT). Also called: Ataxia telangiectasia (A-T); Cerebello-oculocutaneous telangiectasia; Immunodeficiency with ataxia telangiectasia; ATAXIA-TELANGIECTASIA, FRESNO VARIANT; LOUIS-BAR SYNDROME; Ataxia-telangiectasia, complementation group D. Identifiers: Orphanet 100, MedGen C0004135, MONDO:0008840, OMIM 208900.

Submission:

Labcorp Genetics (formerly Invitae), Labcorp
Classification: Uncertain significance for Ataxia-telangiectasia syndrome. Last evaluated: 2022-11-30. Review status: criteria provided, single submitter. Criteria: Invitae Variant Classification Sherloc (09022015). Collection method: clinical testing. Allele origin: germline.
Comment: In summary, the available evidence is currently insufficient to determine the role of this variant in disease. Therefore, it has been classified as a Variant of Uncertain Significance. Algorithms developed to predict the effect of missense changes on protein structure and function (SIFT, PolyPhen-2, Align-GVGD) all suggest that this variant is likely to be tolerated. This variant has not been reported in the literature in individuals affected with ATM-related conditions. This variant is not present in population databases (gnomAD no frequency). This sequence change replaces threonine, which is neutral and polar, with alanine, which is neutral and non-polar, at codon 1871 of the ATM protein (p.Thr1871Ala).